The following is an entry in ClinVar:

ClinVar aggregate classification (germline): Likely benign (1 of 4 stars; one submission).

Submission:

CeGaT Center for Human Genetics Tuebingen
Classification: Likely benign. Last evaluated: 2025-11-01. Review status: criteria provided, single submitter. Criteria: CeGaT Center For Human Genetics Tuebingen Variant Classification Criteria Version 2. Collection method: clinical testing. Allele origin: germline. Affected: yes. Observed: 1 variant allele.
Comment: ZNF407: BP4, BP7

NM_017757.3(ZNF407):c.3162C>T (p.Tyr1054=)

Genes: ZNF407 (zinc finger protein 407; plus strand), LOC126862798 (MED14-independent group 3 enhancer GRCh37_chr18:72345358-72346557; plus strand). Cytogenetic location: 18q22.3.
Variant type: single nucleotide variant.
Coding change: c.3162C>T on transcript NM_017757.3 (MANE Select); coding-DNA position 3162, C replaced by T.
Protein change: p.Tyr1054=; no amino-acid change (tyrosine 1054 retained).
Molecular consequence: synonymous variant.
Genome position (GRCh38, 1-based): chr18:74,634,181, C>T. VCF-style: chr18-74634181-C-T. GRCh37 (hg19) VCF-style: chr18-72346137-C-T.
Other names: c.3162C>T, p.Tyr1054= (NM_001146189.1, NM_001146190.1, NM_001384475.1).
Identifiers: ClinVar variation 4533569 (VCV004533569.6).